The following is an entry in ClinVar:

NM_001378452.1(ITPR1):c.4473C>T (p.Ile1491=)

Gene: ITPR1 (inositol 1,4,5-trisphosphate receptor type 1; plus strand). Cytogenetic location: 3p26.1.
Variant type: single nucleotide variant.
Coding change: c.4473C>T on transcript NM_001378452.1 (MANE Select); coding-DNA position 4473, C replaced by T.
Protein change: p.Ile1491=; no amino-acid change (isoleucine 1491 retained).
Molecular consequence: synonymous variant.
Genome position (GRCh38, 1-based): chr3:4,699,878, C>T. VCF-style: chr3-4699878-C-T. GRCh37 (hg19) VCF-style: chr3-4741562-C-T.
Other names: c.4446C>T, p.Ile1482= (NM_001099952.4); c.4428C>T, p.Ile1476= (NM_001168272.2); c.4401C>T, p.Ile1467= (NM_002222.7).
Identifiers: ClinVar variation 586047 (VCV000586047.15), dbSNP rs192863290, ClinGen allele CA2232006.

ClinVar aggregate classification (germline): Benign/Likely benign. Review status: criteria provided, multiple submitters, no conflicts (2 of 4 stars). 4 submissions from 4 submitters: Benign (1); Likely benign (2). 1 of the submissions does not count toward it. Last evaluated 2026-02-03.

Conditions:
ITPR1-related disorder. Also called: ITPR1-related condition.

Allele frequency attached by ClinVar (database versions not stated): gnomAD 0.00001; TOPMed 0.00003; gnomAD exomes 0.00005; ExAC 0.00007; ESP Exome Variant Server 0.00008; 1000 Genomes Project 30x 0.00016; 1000 Genomes Project 0.00020.
gnomAD v4.1: 55 of 1,613,564 alleles (0.0034%); highest among the groups gnomAD compares: Admixed American, 0.027%; no homozygotes.

Submissions (4):

Labcorp Genetics (formerly Invitae), Labcorp
Classification: Likely benign. Last evaluated: 2026-02-03. Review status: criteria provided, single submitter. Criteria: Invitae Variant Classification Sherloc (09022015). Collection method: clinical testing. Allele origin: germline.

Blueprint Genetics
Classification: Likely benign. Last evaluated: 2024-11-25. Review status: criteria provided, single submitter. Criteria: ACMG Guidelines, 2015. Collection method: clinical testing. Allele origin: germline.

Athena Diagnostics
Classification: Benign. Last evaluated: 2017-12-28. Review status: criteria provided, single submitter. Criteria: Athena Diagnostics Criteria. Collection method: clinical testing. Allele origin: germline.

PreventionGenetics, part of Exact Sciences
Classification: Likely benign for ITPR1-related condition. Last evaluated: 2024-07-24. Review status: no assertion criteria provided. Collection method: clinical testing. Allele origin: germline. Not counted in ClinVar's aggregate classification.
Comment: This variant is classified as likely benign based on ACMG/AMP sequence variant interpretation guidelines (Richards et al. 2015 PMID: 25741868, with internal and published modifications).